The following is an entry in ClinVar:

NM_000264.5(PTCH1):c.517G>A (p.Glu173Lys)

Gene: PTCH1 (patched 1; minus strand). Cytogenetic location: 9q22.32.
Variant type: single nucleotide variant.
Coding change: c.517G>A on transcript NM_000264.5 (MANE Select); coding-DNA position 517, G replaced by A.
Protein change: p.Glu173Lys; replaces glutamic acid 173 with lysine.
Molecular consequence: missense variant. On other transcripts: non-coding transcript variant (1).
Genome position (GRCh38, 1-based): chr9:95,485,752, C>T on the plus strand (G>A on the coding strand, the complement: PTCH1 is on the minus strand). VCF-style: chr9-95485752-C-T. GRCh37 (hg19) VCF-style: chr9-98248034-C-T.
Other names: c.319G>A, p.Glu107Lys (NM_001083602.3, NM_001354919.2); c.514G>A, p.Glu172Lys (NM_001083603.3); c.64G>A, p.Glu22Lys (NM_001083604.3, NM_001083605.3, NM_001083606.3 and 1 more transcripts); c.517G>A, p.Glu173Lys (NM_001354918.2); short protein forms E173K, E22K, E107K, E172K.
Identifiers: ClinVar variation 2564397 (VCV002564397.3), dbSNP rs2118541865, ClinGen allele CA374116839.

ClinVar aggregate classification (germline): Uncertain significance (1 of 4 stars; one submission).

Conditions:
Hereditary cancer-predisposing syndrome. Also called: Neoplastic Syndromes, Hereditary; Hereditary Cancer Syndrome; Hereditary neoplastic syndrome; Tumor predisposition. Identifiers: Orphanet 140162, MedGen C0027672, MeSH D009386, MONDO:0015356.

Submission:

Ambry Genetics
Classification: Uncertain significance for Hereditary cancer-predisposing syndrome. Last evaluated: 2025-11-24. Review status: criteria provided, single submitter. Criteria: Ambry Variant Classification Scheme 2023. Collection method: clinical testing. Allele origin: germline.
Comment: The p.E173K variant (also known as c.517G>A), located in coding exon 3 of the PTCH1 gene, results from a G to A substitution at nucleotide position 517. The glutamic acid at codon 173 is replaced by lysine, an amino acid with similar properties. This amino acid position is highly conserved in available vertebrate species. In addition, this alteration is predicted to be deleterious by in silico analysis. Based on the available evidence, the clinical significance of this variant remains unclear.